The following is an entry in ClinVar:

NM_000397.4(CYBB):c.1519C>T (p.Gln507Ter)

Gene: CYBB (cytochrome b-245 beta chain; plus strand). Cytogenetic location: Xp11.4.
Variant type: single nucleotide variant.
Coding change: c.1519C>T on transcript NM_000397.4 (MANE Select); coding-DNA position 1519, C replaced by T.
Protein change: p.Gln507Ter; replaces glutamine 507 with a stop codon.
Molecular consequence: nonsense.
Genome position (GRCh38, 1-based): chrX:37,809,624, C>T. VCF-style: chrX-37809624-C-T. GRCh37 (hg19) VCF-style: chrX-37668877-C-T.
Other names: short protein forms Q507*.
Identifiers: ClinVar variation 1074313 (VCV001074313.9), dbSNP rs2146821175, ClinGen allele CA412978462.
Genomic context (GRCh38, chrX:37,809,624, plus strand): 5'-TAGGCCAATCACTTTGCTGTGCACCATGATGAGGAGAAAGATGTGATCACAGGCCTGAAA[C>T]AAAAGACTTTGTATGGACGGCCCAACTGGGATAATGAATTCAAGACAATTGCAAGTCAAC-3'

ClinVar aggregate classification (germline): Pathogenic (1 of 4 stars; one submission).

Conditions:
Granulomatous disease, chronic, X-linked. Also called: CYTOCHROME b-NEGATIVE GRANULOMATOUS DISEASE, CHRONIC, X-LINKED; GRANULOMATOUS DISEASE, CHRONIC, X-LINKED, SOMATIC MOSAIC. Identifiers: Orphanet 379, MedGen C1844376, MONDO:0010600, OMIM 306400.

Submission:

Labcorp Genetics (formerly Invitae), Labcorp
Classification: Pathogenic for Granulomatous disease, chronic, X-linked. Last evaluated: 2020-05-20. Review status: criteria provided, single submitter. Criteria: Invitae Variant Classification Sherloc (09022015). Collection method: clinical testing. Allele origin: germline.
Comment: For these reasons, this variant has been classified as Pathogenic. Loss-of-function variants in CYBB are known to be pathogenic (PMID: 9585602, 20729109). This variant has been observed in individual(s) with chronic granulomatous disease (PMID: 9585602, 29560547, 20729109). This variant is also known as 1531C>T in the literature. This variant is not present in population databases (ExAC no frequency). This sequence change creates a premature translational stop signal (p.Gln507*) in the CYBB gene. It is expected to result in an absent or disrupted protein product.

Literature cited by the submitters: PubMed 9585602; PubMed 20729109; PubMed 29560547.